The following is an entry in ClinVar:

ClinVar aggregate classification (germline): Uncertain significance (1 of 4 stars; one submission).

Conditions:
Fanconi anemia (FA). Also called: Fanconi's anemia. Identifiers: Orphanet 84, MedGen C0015625, MeSH D005199, MONDO:0019391.

Submission:

Labcorp Genetics (formerly Invitae), Labcorp
Classification: Uncertain significance for Fanconi anemia. Last evaluated: 2025-12-31. Review status: criteria provided, single submitter. Criteria: Invitae Variant Classification Sherloc (09022015). Collection method: clinical testing. Allele origin: germline.
Comment: This sequence change replaces leucine, which is neutral and non-polar, with proline, which is neutral and non-polar, at codon 496 of the FANCC protein (p.Leu496Pro). This variant is not present in population databases (gnomAD no frequency). This variant has not been reported in the literature in individuals affected with FANCC-related conditions. Invitae Evidence Modeling of protein sequence and biophysical properties (such as structural, functional, and spatial information, amino acid conservation, physicochemical variation, residue mobility, and thermodynamic stability) indicates that this missense variant is expected to disrupt FANCC protein function with a positive predictive value of 80%. In summary, the available evidence is currently insufficient to determine the role of this variant in disease. Therefore, it has been classified as a Variant of Uncertain Significance.

NM_000136.3(FANCC):c.1487T>C (p.Leu496Pro)

Genes: AOPEP (aminopeptidase O (putative); plus strand), FANCC (FA complementation group C; minus strand). Cytogenetic location: 9q22.32.
Variant type: single nucleotide variant.
Coding change: c.1487T>C on transcript NM_000136.3 (MANE Select); coding-DNA position 1487, T replaced by C.
Protein change: p.Leu496Pro; replaces leucine 496 with proline.
Molecular consequence: missense variant.
Genome position (GRCh38, 1-based): chr9:95,107,112, A>G on the plus strand (T>C on the coding strand, the complement: FANCC is on the minus strand). VCF-style: chr9-95107112-A-G. GRCh37 (hg19) VCF-style: chr9-97869394-A-G.
Other names: c.1487T>C, p.Leu496Pro (NM_001243743.2); short protein forms L496P.
Identifiers: ClinVar variation 4700259 (VCV004700259.1).